The following is an entry in ClinVar:

NM_001017420.3(ESCO2):c.*130G>A

Gene: ESCO2 (establishment of sister chromatid cohesion N-acetyltransferase 2; plus strand). Cytogenetic location: 8p21.1.
Variant type: single nucleotide variant.
Coding change: c.*130G>A on transcript NM_001017420.3 (MANE Select); 130 bases downstream of the stop codon, G replaced by A.
Molecular consequence: 3 prime UTR variant.
Genome position (GRCh38, 1-based): chr8:27,803,568, G>A. VCF-style: chr8-27803568-G-A. GRCh37 (hg19) VCF-style: chr8-27661085-G-A.
Identifiers: ClinVar variation 362757 (VCV000362757.8), dbSNP rs62498042, ClinGen allele CA10630819.
Genomic context (GRCh38, chr8:27,803,568, plus strand): 5'-CTATTTAATATCAAAATAAAAAATACCGAGACTCACACTCATACACACACACACACACAC[G>A]CACACACACATATCACAGTTTTGTTCCTTATGAGTTGAAAAGTCAGGAATAAATTTGTTG-3'

ClinVar aggregate classification (germline): Benign. Review status: criteria provided, multiple submitters, no conflicts (2 of 4 stars). 3 submissions from 3 submitters: Benign (3). Last evaluated 2019-08-15.

Conditions:
Roberts-SC phocomelia syndrome (RBS). Also called: LONG BONE DEFICIENCIES ASSOCIATED WITH CLEFT LIP-PALATE; Hypomelia hypotrichosis facial hemangioma syndrome; ESCO2 Spectrum Disorder; Pseudothalidomide syndrome; Appelt-Gerken-Lenz syndrome. Identifiers: Orphanet 3103, MedGen C0392475, MONDO:0100253, OMIM 268300.

Allele frequency attached by ClinVar (database versions not stated): TOPMed 0.41236; 1000 Genomes Project 0.49700.

Submissions (3):

GeneDx
Classification: Benign. Last evaluated: 2019-08-15. Review status: criteria provided, single submitter. Criteria: GeneDx Variant Classification Process June 2021. Collection method: clinical testing. Allele origin: germline. Affected: yes.

Illumina Laboratory Services, Illumina
Classification: Benign for Roberts-SC phocomelia syndrome. Last evaluated: 2018-01-13. Review status: criteria provided, single submitter. Criteria: ICSL Variant Classification Criteria 13 December 2019. Collection method: clinical testing. Allele origin: germline.
Comment: This variant was observed in the ICSL laboratory as part of a predisposition screen in an ostensibly healthy population. It had not been previously curated by ICSL or reported in the Human Gene Mutation Database (HGMD: prior to June 1st, 2018), and was therefore a candidate for classification through an automated scoring system. Utilizing variant allele frequency, disease prevalence and penetrance estimates, and inheritance mode, an automated score was calculated to assess if this variant is too frequent to cause the disease. Based on the score and internal cut-off values, a variant classified as benign is not then subjected to further curation. The score for this variant resulted in a classification of benign for this disease.

Breakthrough Genomics
Classification: Benign. Review status: criteria provided, single submitter. Criteria: ACMG Guidelines, 2015. Collection method: not provided. Allele origin: germline. Inheritance: Autosomal recessive inheritance. Affected: yes.